The following is an entry in ClinVar:

NM_001001563.5(TIMM50):c.492+3G>A

Gene: TIMM50 (translocase of inner mitochondrial membrane 50; plus strand). Cytogenetic location: 19q13.2.
Variant type: single nucleotide variant.
Coding change: c.492+3G>A on transcript NM_001001563.5 (MANE Select); 3 bases into the intron after coding-DNA position 492, G replaced by A.
Molecular consequence: intron variant.
Genome position (GRCh38, 1-based): chr19:39,485,810, G>A. VCF-style: chr19-39485810-G-A. GRCh37 (hg19) VCF-style: chr19-39976450-G-A.
Other names: c.153+3G>A (NM_001329559.2).
Identifiers: ClinVar variation 1497650 (VCV001497650.5), dbSNP rs938211540, ClinGen allele CA308239579.
Genomic context (GRCh38, chr19:39,485,810, plus strand): 5'-GCCACCCTACACGCTCGTTTTGGAGCTCACCGGCGTCCTCTTGCATCCTGAGTGGTCGGT[G>A]TGTCCCGGGAAACCCAGTGGGTTGGGGATAGACCTGGGCAGTGGGGTTGTGATGAGGTGG-3'

ClinVar aggregate classification (germline): Uncertain significance (1 of 4 stars; one submission).

Allele frequency attached by ClinVar (database versions not stated): gnomAD exomes below 0.00001; gnomAD 0.00001 and 0.00004; TOPMed 0.00005.
gnomAD v4.1: 10 of 1,614,148 alleles (0.00062%); highest among the groups gnomAD compares: African/African-American, 0.012%; no homozygotes.

Submission:

Labcorp Genetics (formerly Invitae), Labcorp
Classification: Uncertain significance. Last evaluated: 2025-02-17. Review status: criteria provided, single submitter. Criteria: Invitae Variant Classification Sherloc (09022015). Collection method: clinical testing. Allele origin: germline.
Comment: This sequence change falls in intron 6 of the TIMM50 gene. It does not directly change the encoded amino acid sequence of the TIMM50 protein. It affects a nucleotide within the consensus splice site. This variant is not present in population databases (gnomAD no frequency). This variant has not been reported in the literature in individuals affected with TIMM50-related conditions. ClinVar contains an entry for this variant (Variation ID: 1497650). Experimental studies and prediction algorithms are not available or were not evaluated, and the functional significance of this variant is currently unknown. Variants that disrupt the consensus splice site are a relatively common cause of aberrant splicing (PMID: 17576681, 9536098). Algorithms developed to predict the effect of sequence changes on RNA splicing suggest that this variant is not likely to affect RNA splicing. In summary, the available evidence is currently insufficient to determine the role of this variant in disease. Therefore, it has been classified as a Variant of Uncertain Significance.

Literature cited by the submitters: PubMed 17576681; PubMed 9536098.